The following is an entry in ClinVar:

NM_020180.4(CELF4):c.1012G>A (p.Val338Met)

Gene: CELF4 (CUGBP Elav-like family member 4; minus strand). Cytogenetic location: 18q12.2.
Variant type: single nucleotide variant.
Coding change: c.1012G>A on transcript NM_020180.4 (MANE Select); coding-DNA position 1012, G replaced by A.
Protein change: p.Val338Met; replaces valine 338 with methionine.
Molecular consequence: missense variant. On other transcripts: non-coding transcript variant (11).
Genome position (GRCh38, 1-based): chr18:37,270,855, C>T on the plus strand (G>A on the coding strand, the complement: CELF4 is on the minus strand). VCF-style: chr18-37270855-C-T. GRCh37 (hg19) VCF-style: chr18-34850818-C-T.
Other names: c.1012G>A, p.Val338Met (NM_001353708.2, NM_001353731.2, NM_001353734.2 and 6 more transcripts); c.979G>A, p.Val327Met (NM_001353709.2, NM_001353713.2, NM_001353714.2 and 14 more transcripts); c.982G>A, p.Val328Met (NM_001353710.2, NM_001353715.2, NM_001353717.2 and 6 more transcripts); c.976G>A, p.Val326Met (NM_001353711.2, NM_001353733.2, NM_001353755.2 and 5 more transcripts); c.1006G>A, p.Val336Met (NM_001353712.2, NM_001353716.2, NM_001353754.2 and 2 more transcripts); c.1009G>A, p.Val337Met (NM_001353729.2, NM_001353730.2, NM_001353746.2 and 12 more transcripts); c.640G>A, p.Val214Met (NM_001353756.2, NM_001353761.2); c.613G>A, p.Val205Met (NM_001353757.2, NM_001353760.2); and 1 more; short protein forms V204M, V205M, V214M, V326M, V327M, V328M, V336M, V337M.
Identifiers: ClinVar variation 3039626 (VCV003039626.10), dbSNP rs146847221, ClinGen allele CA8943511.

ClinVar aggregate classification (germline): Benign. Review status: criteria provided, single submitter (1 of 4 stars). 2 submissions from 2 submitters: Benign (1). 1 of the submissions does not count toward it. Last evaluated 2025-08-01.

Conditions:
CELF4-related disorder. Also called: CELF4-related condition.

Allele frequency attached by ClinVar (database versions not stated): 1000 Genomes Project 30x 0.00078; 1000 Genomes Project 0.00080; ExAC 0.00137; gnomAD 0.00145; TOPMed 0.00159; ESP Exome Variant Server 0.00223; gnomAD exomes 0.00282.
gnomAD v4.1: 4,317 of 1,613,668 alleles (0.27%); highest among the groups gnomAD compares: Non-Finnish European, 0.33%; 5 homozygotes.

Submissions (2):

CeGaT Center for Human Genetics Tuebingen
Classification: Benign. Last evaluated: 2025-08-01. Review status: criteria provided, single submitter. Criteria: CeGaT Center For Human Genetics Tuebingen Variant Classification Criteria Version 2. Collection method: clinical testing. Allele origin: germline. Affected: yes. Observed: 1 variant allele.
Comment: CELF4: PP3, BS1, BS2

PreventionGenetics, part of Exact Sciences
Classification: Likely benign for CELF4-related condition. Last evaluated: 2021-02-03. Review status: no assertion criteria provided. Collection method: clinical testing. Allele origin: germline. Not counted in ClinVar's aggregate classification.
Comment: This variant is classified as likely benign based on ACMG/AMP sequence variant interpretation guidelines (Richards et al. 2015 PMID: 25741868, with internal and published modifications).